The following is an entry in ClinVar:

ClinVar aggregate classification (germline): Pathogenic (1 of 4 stars; one submission).

Conditions:
Autosomal recessive Alport syndrome (ATS2). Also called: ALPORT SYNDROME 2, AUTOSOMAL RECESSIVE; Alport syndrome type 2; COL4A4 Alport Syndrome and Thin Basement Membrane Nephropathy; COL4A3-Related Nephropathy. Identifiers: Orphanet 63, Orphanet 88919, MedGen C4746745, MONDO:0008762, OMIM 203780.

Allele frequency attached by ClinVar (database versions not stated): gnomAD exomes below 0.00001.

Submission:

3billion
Classification: Pathogenic for Autosomal recessive Alport syndrome. Last evaluated: 2024-03-07. Review status: criteria provided, single submitter. Criteria: ACMG Guidelines, 2015. Collection method: clinical testing. Allele origin: germline. Affected: yes.
Comment: The variant is not observed in the gnomAD v2.1.1 dataset. Predicted Consequence/Location: Frameshift: predicted to result in a loss or disruption of normal protein function through nonsense-mediated decay (NMD) or protein truncation. Multiple pathogenic variants are reported downstream of the variant. The variant has been reported to be associated with COL4A4-related disorder (ClinVar ID: VCV001687364 /3billion dataset). Therefore, this variant is classified as Pathogenic according to the recommendation of ACMG/AMP guideline.

NM_000092.5(COL4A4):c.489dup (p.Gly164fs)

Gene: COL4A4 (collagen type IV alpha 4 chain; minus strand). Cytogenetic location: 2q36.3.
Variant type: Duplication.
Coding change: c.489dup on transcript NM_000092.5 (MANE Select); coding-DNA position 489, one base duplicated (A; older notation c.489dupA).
Protein change: p.Gly164fs; shifts the reading frame from glycine 164.
Molecular consequence: frameshift variant.
Genome position (GRCh38, 1-based): chr2:227,118,645, T duplicated on the plus strand (A on the coding strand, the reverse complement: COL4A4 is on the minus strand). VCF-style (leftmost placement, unchanged base first): chr2-227118644-C-CT. GRCh37 (hg19) VCF-style: chr2-227983360-C-CT.
Other names: short protein forms G164fs.
Identifiers: ClinVar variation 1687364 (VCV001687364.3), dbSNP rs2124998835, ClinGen allele CA2573135376.
Genomic context (GRCh38, chr2:227,118,644, plus strand): 5'-TGTTCCACCACAGGGCCTGTTCACTTAAGATTCCTGTTAAGATGAACTGTGGGTATCTTA[C>CT]TAGGGGGCCTCCTGGGCCAAGAGCTCCTCTTCCTCCTGGAAACCCTGGGTCACCTCTTGA-3'